The following is an entry in ClinVar:

ClinVar aggregate classification (germline): Uncertain significance (1 of 4 stars; one submission).

Conditions:
Schuurs-Hoeijmakers syndrome. Also called: PACS1-Related Neurodevelopmental Disorder. Identifiers: Orphanet 329224, MedGen C3554343, MONDO:0014006, OMIM 615009.

Allele frequency attached by ClinVar (database versions not stated): TOPMed below 0.00001; gnomAD exomes below 0.00001.
gnomAD v4.1: 2 of 1,613,714 alleles (0.00012%); highest among the groups gnomAD compares: Admixed American, 0.0017%; no homozygotes.

Submission:

Labcorp Genetics (formerly Invitae), Labcorp
Classification: Uncertain significance for Schuurs-Hoeijmakers syndrome. Last evaluated: 2023-06-11. Review status: criteria provided, single submitter. Criteria: Invitae Variant Classification Sherloc (09022015). Collection method: clinical testing. Allele origin: germline.
Comment: In summary, the available evidence is currently insufficient to determine the role of this variant in disease. Therefore, it has been classified as a Variant of Uncertain Significance. Advanced modeling of protein sequence and biophysical properties (such as structural, functional, and spatial information, amino acid conservation, physicochemical variation, residue mobility, and thermodynamic stability) performed at Invitae indicates that this missense variant is expected to disrupt PACS1 protein function. This variant has not been reported in the literature in individuals affected with PACS1-related conditions. This variant is present in population databases (no rsID available, gnomAD 0.003%). This sequence change replaces arginine, which is basic and polar, with tryptophan, which is neutral and slightly polar, at codon 709 of the PACS1 protein (p.Arg709Trp).

NM_018026.4(PACS1):c.2125C>T (p.Arg709Trp)

Gene: PACS1 (phosphofurin acidic cluster sorting protein 1; plus strand). Cytogenetic location: 11q13.2.
Variant type: single nucleotide variant.
Coding change: c.2125C>T on transcript NM_018026.4 (MANE Select); coding-DNA position 2125, C replaced by T.
Protein change: p.Arg709Trp; replaces arginine 709 with tryptophan.
Molecular consequence: missense variant.
Genome position (GRCh38, 1-based): chr11:66,235,321, C>T. VCF-style: chr11-66235321-C-T. GRCh37 (hg19) VCF-style: chr11-66002792-C-T.
Other names: short protein forms R709W.
Identifiers: ClinVar variation 2794487 (VCV002794487.3), dbSNP rs749297584, ClinGen allele CA381376426.